The following is an entry in ClinVar:

NM_006397.3(RNASEH2A):c.332A>G (p.Tyr111Cys)

Gene: RNASEH2A (ribonuclease H2 subunit A; plus strand). Cytogenetic location: 19p13.13.
Variant type: single nucleotide variant.
Coding change: c.332A>G on transcript NM_006397.3 (MANE Select); coding-DNA position 332, A replaced by G.
Protein change: p.Tyr111Cys; replaces tyrosine 111 with cysteine.
Molecular consequence: missense variant.
Genome position (GRCh38, 1-based): chr19:12,807,427, A>G. VCF-style: chr19-12807427-A-G. GRCh37 (hg19) VCF-style: chr19-12918241-A-G.
Other names: short protein forms Y111C.
Identifiers: ClinVar variation 1418961 (VCV001418961.5), dbSNP rs1254142641, ClinGen allele CA404265634.

ClinVar aggregate classification (germline): Uncertain significance (1 of 4 stars; one submission).

Conditions:
Aicardi-Goutieres syndrome 4. Identifiers: Orphanet 51, MedGen C1835912, MONDO:0012472, OMIM 610333.

Allele frequency attached by ClinVar (database versions not stated): gnomAD exomes below 0.00001; gnomAD 0.00001; TOPMed 0.00001.
gnomAD v4.1: 3 of 1,614,062 alleles (0.00019%); highest among the groups gnomAD compares: African/African-American, 0.0027%; no homozygotes.

Submission:

Labcorp Genetics (formerly Invitae), Labcorp
Classification: Uncertain significance for Aicardi-Goutieres syndrome 4. Last evaluated: 2021-09-24. Review status: criteria provided, single submitter. Criteria: Invitae Variant Classification Sherloc (09022015). Collection method: clinical testing. Allele origin: germline.
Comment: This sequence change replaces tyrosine with cysteine at codon 111 of the RNASEH2A protein (p.Tyr111Cys). The tyrosine residue is highly conserved and there is a large physicochemical difference between tyrosine and cysteine. This variant is not present in population databases (ExAC no frequency). This variant has not been reported in the literature in individuals with RNASEH2A-related conditions. Algorithms developed to predict the effect of missense changes on protein structure and function (SIFT, PolyPhen-2, Align-GVGD) all suggest that this variant is likely to be tolerated, but these predictions have not been confirmed by published functional studies and their clinical significance is uncertain. In summary, the available evidence is currently insufficient to determine the role of this variant in disease. Therefore, it has been classified as a Variant of Uncertain Significance.